The following is an entry in ClinVar:

NM_012330.4(KAT6B):c.4882C>G (p.Gln1628Glu)

Gene: KAT6B (lysine acetyltransferase 6B; plus strand). Cytogenetic location: 10q22.2.
Variant type: single nucleotide variant.
Coding change: c.4882C>G on transcript NM_012330.4 (MANE Select); coding-DNA position 4882, C replaced by G.
Protein change: p.Gln1628Glu; replaces glutamine 1628 with glutamic acid.
Molecular consequence: missense variant.
Genome position (GRCh38, 1-based): chr10:75,029,706, C>G. VCF-style: chr10-75029706-C-G. GRCh37 (hg19) VCF-style: chr10-76789464-C-G.
Other names: c.4333C>G, p.Gln1445Glu (NM_001256468.2, NM_001370138.1); c.4006C>G, p.Gln1336Glu (NM_001256469.2, NM_001370139.1, NM_001370140.1 and 2 more transcripts); c.3844C>G, p.Gln1282Glu (NM_001370132.1); c.3193C>G, p.Gln1065Glu (NM_001370133.1); c.2797C>G, p.Gln933Glu (NM_001370134.1); c.2539C>G, p.Gln847Glu (NM_001370135.1); c.4882C>G, p.Gln1628Glu (NM_001370136.1, NM_001370137.1); c.3817C>G, p.Gln1273Glu (NM_001370143.1, NM_001370144.1); short protein forms Q1336E, Q1445E, Q933E, Q1282E, Q1628E, Q1065E, Q1273E, Q847E.
Identifiers: ClinVar variation 4718991 (VCV004718991.1).

ClinVar aggregate classification (germline): Uncertain significance (1 of 4 stars; one submission).

Conditions:
Genitopatellar syndrome (GTPTS). Also called: ABSENT PATELLAE, SCROTAL HYPOPLASIA, RENAL ANOMALIES, FACIAL DYSMORPHISM, AND MENTAL RETARDATION; Genitopatellar syndrome (GPS). Identifiers: Orphanet 85201, MedGen C1853566, MONDO:0011640, OMIM 606170.

Submission:

Labcorp Genetics (formerly Invitae), Labcorp
Classification: Uncertain significance for Genitopatellar syndrome. Last evaluated: 2025-05-12. Review status: criteria provided, single submitter. Criteria: Invitae Variant Classification Sherloc (09022015). Collection method: clinical testing. Allele origin: germline.
Comment: This sequence change replaces glutamine, which is neutral and polar, with glutamic acid, which is acidic and polar, at codon 1628 of the KAT6B protein (p.Gln1628Glu). This variant is not present in population databases (gnomAD no frequency). This variant has not been reported in the literature in individuals affected with KAT6B-related conditions. An algorithm developed to predict the effect of missense changes on protein structure and function (PolyPhen-2) suggests that this variant is likely to be disruptive. In summary, the available evidence is currently insufficient to determine the role of this variant in disease. Therefore, it has been classified as a Variant of Uncertain Significance.